The following is an entry in ClinVar:

ClinVar aggregate classification (germline): Uncertain significance (1 of 4 stars; one submission).

Allele frequency attached by ClinVar (database versions not stated): gnomAD exomes below 0.00001 and 0.00001; TOPMed below 0.00001.
gnomAD v4.1: 17 of 1,614,228 alleles (0.0011%); highest among the groups gnomAD compares: Admixed American, 0.0017%; no homozygotes.

Submission:

Women's Health and Genetics/Laboratory Corporation of America, LabCorp
Classification: Uncertain significance. Last evaluated: 2025-07-18. Review status: criteria provided, single submitter. Criteria: LabCorp Variant Classification Summary - May 2015. Collection method: clinical testing. Allele origin: germline.
Comment: Variant summary: HYLS1 c.523G>T (p.Glu175X) results in a premature termination codon, predicted to cause a truncation of the encoded protein but is not expected to nonsense mediated decay, and current evidence is not sufficient to establish loss of function as a mechanism for disease. The variant allele was found at a frequency of 4e-06 in 251430 control chromosomes (gnomAD). The available data on variant occurrences in the general population are insufficient to allow any conclusion about variant significance. To our knowledge, no occurrence of c.523G>T in individuals affected with Hydrolethalus Syndrome, Type 1 and no experimental evidence demonstrating its impact on protein function have been reported. ClinVar contains an entry for this variant (Variation ID: 1331360). Based on the evidence outlined above, the variant was classified as uncertain significance.

NM_001134793.2(HYLS1):c.523G>T (p.Glu175Ter)

Genes: HYLS1 (HYLS1 centriolar and ciliogenesis associated; plus strand), PUS3 (pseudouridine synthase 3; minus strand). Cytogenetic location: 11q24.2.
Variant type: single nucleotide variant.
Coding change: c.523G>T on transcript NM_001134793.2 (MANE Select); coding-DNA position 523, G replaced by T.
Protein change: p.Glu175Ter; replaces glutamic acid 175 with a stop codon.
Molecular consequence: nonsense. On other transcripts: intron variant (2).
Genome position (GRCh38, 1-based): chr11:125,899,891, G>T. VCF-style: chr11-125899891-G-T. GRCh37 (hg19) VCF-style: chr11-125769786-G-T.
Other names: c.523G>T, p.Glu175Ter (NM_001377269.1, NM_001377270.1, NM_001424364.1 and 1 more transcripts); c.-247+3279C>A (NM_001271985.2); c.-47+3279C>A (NM_031307.4); short protein forms E175*.
Identifiers: ClinVar variation 1331360 (VCV001331360.2), dbSNP rs1482689330, ClinGen allele CA383204940.